The following is an entry in ClinVar:

NM_173660.5(DOK7):c.737G>C (p.Ser246Thr)

Genes: DOK7 (docking protein 7; plus strand), LOC129992118 (ATAC-STARR-seq lymphoblastoid silent region 15206; plus strand). Cytogenetic location: 4p16.3.
Variant type: single nucleotide variant.
Coding change: c.737G>C on transcript NM_173660.5 (MANE Select); coding-DNA position 737, G replaced by C.
Protein change: p.Ser246Thr; replaces serine 246 with threonine.
Molecular consequence: missense variant. On other transcripts: 5 prime UTR variant (1).
Genome position (GRCh38, 1-based): chr4:3,489,761, G>C. VCF-style: chr4-3489761-G-C. GRCh37 (hg19) VCF-style: chr4-3491488-G-C.
Other names: c.726G>C, p.Glu242Asp (NM_001164673.2); c.-194G>C (NM_001256896.2); c.737G>C, p.Ser246Thr (NM_001301071.2); c.305G>C, p.Ser102Thr (NM_001363811.2); short protein forms S246T, E242D, S102T.
Identifiers: ClinVar variation 1494157 (VCV001494157.3), dbSNP rs2109389067, ClinGen allele CA356115663.

ClinVar aggregate classification (germline): Uncertain significance (1 of 4 stars; one submission).

Conditions:
Congenital myasthenic syndrome 10. Also called: Myasthenia, limb-girdle, familial. Identifiers: Orphanet 590, MedGen C1850792, MONDO:0009690, OMIM 254300.
Fetal akinesia deformation sequence 1 (FADS1). Also called: Pena-Shokeir syndrome type I; Fetal akinesia sequence. Identifiers: Orphanet 994, MedGen C1276035, MONDO:0100101, OMIM 208150, HP:0001989.

Submission:

Labcorp Genetics (formerly Invitae), Labcorp
Classification: Uncertain significance for Congenital myasthenic syndrome 10; Fetal akinesia deformation sequence 1. Last evaluated: 2022-06-27. Review status: criteria provided, single submitter. Criteria: Invitae Variant Classification Sherloc (09022015). Collection method: clinical testing. Allele origin: germline.
Comment: This sequence change replaces serine, which is neutral and polar, with threonine, which is neutral and polar, at codon 246 of the DOK7 protein (p.Ser246Thr). This variant is not present in population databases (gnomAD no frequency). This variant has not been reported in the literature in individuals affected with DOK7-related conditions. Algorithms developed to predict the effect of missense changes on protein structure and function are either unavailable or do not agree on the potential impact of this missense change (SIFT: "Deleterious"; PolyPhen-2: "Possibly Damaging"; Align-GVGD: "Class C0"). In summary, the available evidence is currently insufficient to determine the role of this variant in disease. Therefore, it has been classified as a Variant of Uncertain Significance.